The following is an entry in ClinVar:

ClinVar aggregate classification (germline): Benign. Review status: criteria provided, multiple submitters, no conflicts (2 of 4 stars). 2 submissions from 2 submitters: Benign (2). Last evaluated 2018-01-13.

Conditions:
Retinitis pigmentosa (RP). Identifiers: Orphanet 791, MedGen C0035334, MeSH D012174, MONDO:0019200, OMIM 268000. Inheritance: Autosomal dominant, autosomal recessive and X linked inheritance.

Allele frequency attached by ClinVar (database versions not stated): gnomAD 0.53975 and 0.54074; TOPMed 0.55135; gnomAD exomes 0.57895; 1000 Genomes Project 0.59405; 1000 Genomes Project 30x 0.59572.
gnomAD v4.1: 82,493 of 152,060 alleles (54%); highest among the groups gnomAD compares: East Asian, 83%; 22,774 homozygotes.

Submissions (2):

Illumina Laboratory Services, Illumina
Classification: Benign for Retinitis pigmentosa. Last evaluated: 2018-01-13. Review status: criteria provided, single submitter. Criteria: ICSL Variant Classification Criteria 13 December 2019. Collection method: clinical testing. Allele origin: germline.
Comment: This variant was observed in the ICSL laboratory as part of a predisposition screen in an ostensibly healthy population. It had not been previously curated by ICSL or reported in the Human Gene Mutation Database (HGMD: prior to June 1st, 2018), and was therefore a candidate for classification through an automated scoring system. Utilizing variant allele frequency, disease prevalence and penetrance estimates, and inheritance mode, an automated score was calculated to assess if this variant is too frequent to cause the disease. Based on the score and internal cut-off values, a variant classified as benign is not then subjected to further curation. The score for this variant resulted in a classification of benign for this disease.

Breakthrough Genomics
Classification: Benign. Review status: criteria provided, single submitter. Criteria: ACMG Guidelines, 2015. Collection method: not provided. Allele origin: germline. Inheritance: Unknown mechanism. Affected: yes.

NM_001029883.3(PCARE):c.*2160G>A

Gene: PCARE (photoreceptor cilium actin regulator; minus strand). Cytogenetic location: 2p23.2.
Variant type: single nucleotide variant.
Coding change: c.*2160G>A on transcript NM_001029883.3 (MANE Select); 2160 bases downstream of the stop codon, G replaced by A.
Molecular consequence: 3 prime UTR variant.
Genome position (GRCh38, 1-based): chr2:29,062,709, C>T on the plus strand (G>A on the coding strand, the complement: PCARE is on the minus strand). VCF-style: chr2-29062709-C-T. GRCh37 (hg19) VCF-style: chr2-29285575-C-T.
Identifiers: ClinVar variation 335590 (VCV000335590.6), dbSNP rs1562392, ClinGen allele CA10613086.